The following is an entry in ClinVar:

NM_000552.5(VWF):c.3926T>A (p.Ile1309Asn)

Gene: VWF (von Willebrand factor; minus strand). Cytogenetic location: 12p13.31.
Variant type: single nucleotide variant.
Coding change: c.3926T>A on transcript NM_000552.5 (MANE Select); coding-DNA position 3926, T replaced by A.
Protein change: p.Ile1309Asn; replaces isoleucine 1309 with asparagine.
Molecular consequence: missense variant.
Genome position (GRCh38, 1-based): chr12:6,019,492, A>T on the plus strand (T>A on the coding strand, the complement: VWF is on the minus strand). VCF-style: chr12-6019492-A-T. GRCh37 (hg19) VCF-style: chr12-6128658-A-T.
Other names: NM_000552.5(VWF):c.3926T>A; p.Ile1309Asn; short protein forms I1309N.
Identifiers: ClinVar variation 1684483 (VCV001684483.2), dbSNP rs2136413547, ClinGen allele CA383506185.
Genomic context (GRCh38, chr12:6,019,492, plus strand): 5'-ATGTAGGCGTGGGAGCCGTCGTGGTACTCCACCACGGCCACGCGGACCCACTTCTGGGAG[A>T]TGCGCAGCCGCTCCATCATGTCCACCACAAAGGCCTTCAGCACTTCAAACTCAGCCTCGG-3'
Protein context (NP_000543.3, residues 1299-1319): FVVDMMERLR[Ile1309Asn]SQKWVRVAVV

ClinVar aggregate classification (germline): Likely pathogenic. Review status: reviewed by expert panel (3 of 4 stars). 2 submissions from 2 submitters: Likely pathogenic (1). 1 of the submissions does not count toward it. Last evaluated 2025-05-06.

Conditions:
Hereditary von Willebrand disease. Identifiers: Orphanet 903, MedGen C5703318, MONDO:0019565. Inheritance: Autosomal recessive or Autosomal dominant.
Von Willebrand disease type 2B. Identifiers: Orphanet 166087, MedGen C1282971, MONDO:0015629.

Submissions (2):

ClinGen von Willebrand Disease Variant Curation Expert Panel, ClinGen
Classification: Likely pathogenic for Von Willebrand disease type 2B. Last evaluated: 2025-05-06. Review status: reviewed by expert panel. Criteria: ClinGen VWD 2A B M Rules. Collection method: curation. Allele origin: germline. Inheritance: Autosomal dominant inheritance.
Comment: The NM_000552.5(VWF):c.3926T>A (p.Ile1309Asn) missense variant is absent from gnomAD v4.1 (PM2_Supporting). The computational predictor REVEL gives a score of 0.886, which is above the ClinGen VWD VCEP threshold of >0.644 and predicts a damaging effect on VWF function (PP3). Another type 2B missense change (p.I1309V) has been reported at this amino acid residue and has been classified Pathogenic for type 2B VWD by the VWD VCEP (PM5). At least one patient with this variant displayed excessive mucocutaneous bleeding as well as a laboratory phenotypes of thrombocytopenia and an assay showing gain of function (flow cytometry showed markedly increased baseline activity), which together are highly specific for VWD type 2B. (PP4_moderate, SCV002515788.1). The patient was also reported to a VWF antigen/activity ratio (0.2) consistent with type 2B. In summary, this variant has been classified as likely pathogenic for type 2B Von Willebrand Disease based on the ACMG/AMP criteria applied as specified by the von Willebrand Disease Variant Curation Expert Panel. PM2_supporting, PP3, PM5, PP4_moderate.

ISTH-SSC Genomics in Thrombosis and Hemostasis, KU Leuven, Center for Molecular and Vascular Biology
Classification: Likely pathogenic for von Willebrand disorder. Review status: no assertion criteria provided. Collection method: research. Allele origin: unknown. Affected: yes. Not counted in ClinVar's aggregate classification.
Comment: Submitted to GoldVariant by Dr Marie-Christine Morel-Kopp from Northern Blood Research Centre, Sydney, Australia